The following is an entry in ClinVar:

ClinVar aggregate classification (germline): Uncertain significance (1 of 4 stars; one submission).

Submission:

CeGaT Center for Human Genetics Tuebingen
Classification: Uncertain significance. Last evaluated: 2022-06-01. Review status: criteria provided, single submitter. Criteria: CeGaT Center For Human Genetics Tuebingen Variant Classification Criteria Version 2. Collection method: clinical testing. Allele origin: germline. Affected: yes. Observed: 1 variant allele.
Comment: RAPGEF6: PM2

NM_016340.6(RAPGEF6):c.1778A>G (p.Lys593Arg)

Gene: RAPGEF6 (Rap guanine nucleotide exchange factor 6; minus strand). Cytogenetic location: 5q31.1.
Variant type: single nucleotide variant.
Coding change: c.1778A>G on transcript NM_016340.6 (MANE Select); coding-DNA position 1778, A replaced by G.
Protein change: p.Lys593Arg; replaces lysine 593 with arginine.
Molecular consequence: missense variant.
Genome position (GRCh38, 1-based): chr5:131,489,608, T>C on the plus strand (A>G on the coding strand, the complement: RAPGEF6 is on the minus strand). VCF-style: chr5-131489608-T-C. GRCh37 (hg19) VCF-style: chr5-130825301-T-C.
Other names: c.1778A>G, p.Lys593Arg (NM_001164386.2, NM_001164387.2, NM_001164388.2 and 2 more transcripts); short protein forms K593R.
Identifiers: ClinVar variation 2655688 (VCV002655688.24), dbSNP rs2532444995, ClinGen allele CA360779965.
Genomic context (GRCh38, chr5:131,489,608, plus strand): 5'-AAAATGTTGGTCTTCACAGTAAGTGCAAGATGAGTATTATTCCTCAAAATTTCAACGGCT[T>C]TCATAAATGTAATATTCTCAAAGTTTTGTCCATTTACTTCCATAATCTTAAAAGTATTTA-3'
Protein context (NP_057424.3, residues 583-603): GQNFENITFM[Lys593Arg]AVEILRNNTH